The following is an entry in ClinVar:

NM_144687.4(NLRP12):c.1427T>C (p.Phe476Ser)

Gene: NLRP12 (NLR family pyrin domain containing 12; minus strand). Cytogenetic location: 19q13.42.
Variant type: single nucleotide variant.
Coding change: c.1427T>C on transcript NM_144687.4 (MANE Select); coding-DNA position 1427, T replaced by C.
Protein change: p.Phe476Ser; replaces phenylalanine 476 with serine.
Molecular consequence: missense variant.
Genome position (GRCh38, 1-based): chr19:53,810,232, A>G on the plus strand (T>C on the coding strand, the complement: NLRP12 is on the minus strand). VCF-style: chr19-53810232-A-G. GRCh37 (hg19) VCF-style: chr19-54313486-A-G.
Other names: c.1427T>C, p.Phe476Ser (NM_001277126.2, NM_001277129.1); short protein forms F476S.
Identifiers: ClinVar variation 2215977 (VCV002215977.5), dbSNP rs762048744, ClinGen allele CA9639430.

ClinVar aggregate classification (germline): Uncertain significance. Review status: criteria provided, multiple submitters, no conflicts (2 of 4 stars). 3 submissions from 3 submitters: Uncertain significance (3). Last evaluated 2025-02-10.

Conditions:
Inborn genetic diseases. Identifiers: MedGen C0950123, MeSH D030342.

Allele frequency attached by ClinVar (database versions not stated): gnomAD exomes below 0.00001; TOPMed below 0.00001; ExAC 0.00001.
gnomAD v4.1: 3 of 1,614,158 alleles (0.00019%); highest among the groups gnomAD compares: East Asian, 0.0022%; no homozygotes.

Submissions (3):

Dasa
Classification: Uncertain significance. Last evaluated: 2025-02-10. Review status: criteria provided, single submitter. Criteria: DASA Assertion Criteria. Collection method: clinical testing. Allele origin: germline.
Comment: NM_144687.4(NLRP12):c.1427T>C (p.Phe476Ser) is a missense variant that results in the substitution of phenylalanine with serine. This variant is rare in population databases. Computational prediction algorithms are consistent with a deleterious effect. The currently available literature and clinical evidence are not sufficient to establish a definitive association between this variant and the reported condition. Therefore, this variant is classified as a variant of uncertain significance.

Blueprint Genetics
Classification: Uncertain significance. Last evaluated: 2024-10-07. Review status: criteria provided, single submitter. Criteria: ACMG Guidelines, 2015. Collection method: clinical testing. Allele origin: germline.

Ambry Genetics
Classification: Uncertain significance for Inborn genetic diseases. Last evaluated: 2022-08-17. Review status: criteria provided, single submitter. Criteria: Ambry Variant Classification Scheme 2023. Collection method: clinical testing. Allele origin: germline.